The following is an entry in ClinVar:

NM_001206998.2(ZNRF3):c.190del (p.Val64fs)

Gene: ZNRF3 (zinc and ring finger 3; plus strand). Cytogenetic location: 22q12.1.
Variant type: Deletion.
Coding change: c.190del on transcript NM_001206998.2 (MANE Select); coding-DNA position 190, one base deleted (G; older notation c.190delG).
Protein change: p.Val64fs; shifts the reading frame from valine 64.
Molecular consequence: frameshift variant.
Genome position (GRCh38, 1-based): chr22:28,883,956, G deleted; the last of 2 consecutive G bases (chr22:28,883,955-28,883,956); deleting either gives the same sequence. VCF-style (leftmost placement, unchanged base first): chr22-28883954-TG-T. GRCh37 (hg19) VCF-style: chr22-29279942-TG-T.
Other names: short protein forms V64fs.
Identifiers: ClinVar variation 3238967 (VCV003238967.1), dbSNP rs2518273027.

ClinVar aggregate classification (germline): Uncertain significance (1 of 4 stars; one submission).

Conditions:
ZNRF3-related disorder.

Submission:

Institute of Medical Genetics, University of Zurich
Classification: Uncertain significance for ZNRF3-related disorder. Last evaluated: 2024-05-29. Review status: criteria provided, single submitter. Criteria: ACMG Guidelines, 2015. Collection method: research. Allele origin: germline. Affected: yes.
Comment: ACMG criteria applied: PM6 (assumed de novo), PM2 (absent from controls), PP3 (in silico programs predict a deleterious effect)